The following is an entry in ClinVar:

ClinVar aggregate classification (germline): Uncertain significance. Review status: criteria provided, multiple submitters, no conflicts (2 of 4 stars). 3 submissions from 3 submitters: Uncertain significance (3). Last evaluated 2025-09-24.

Conditions:
Alstrom syndrome (ALMS). Identifiers: Orphanet 64, MedGen C0268425, MONDO:0008763, OMIM 203800.

Allele frequency attached by ClinVar (database versions not stated): ExAC 0.00001; gnomAD exomes 0.00001 and 0.00002; TOPMed 0.00001.

Submissions (3):

Labcorp Genetics (formerly Invitae), Labcorp
Classification: Uncertain significance for Alstrom syndrome. Last evaluated: 2025-09-24. Review status: criteria provided, single submitter. Criteria: Invitae Variant Classification Sherloc (09022015). Collection method: clinical testing. Allele origin: germline.
Comment: This sequence change replaces proline, which is neutral and non-polar, with serine, which is neutral and polar, at codon 3038 of the ALMS1 protein (p.Pro3038Ser). This variant is present in population databases (rs752792682, gnomAD 0.002%). This variant has not been reported in the literature in individuals affected with ALMS1-related conditions. ClinVar contains an entry for this variant (Variation ID: 1427561). Experimental studies and prediction algorithms are not available or were not evaluated, and the functional significance of this variant is currently unknown. In summary, the available evidence is currently insufficient to determine the role of this variant in disease. Therefore, it has been classified as a Variant of Uncertain Significance.

GeneDx
Classification: Uncertain significance. Last evaluated: 2025-02-26. Review status: criteria provided, single submitter. Criteria: GeneDx Variant Classification Process June 2021. Collection method: clinical testing. Allele origin: germline. Affected: yes.
Comment: Not observed at significant frequency in large population cohorts (gnomAD); In silico analysis indicates that this missense variant does not alter protein structure/function; Has not been previously published as pathogenic or benign to our knowledge

Fulgent Genetics
Classification: Uncertain significance for Alstrom syndrome. Last evaluated: 2022-03-11. Review status: criteria provided, single submitter. Criteria: ACMG Guidelines, 2015. Collection method: clinical testing. Allele origin: unknown.

NM_001378454.1(ALMS1):c.9109C>T (p.Pro3037Ser)

Gene: ALMS1 (ALMS1 centrosome and basal body associated protein; plus strand). Cytogenetic location: 2p13.1.
Variant type: single nucleotide variant.
Coding change: c.9109C>T on transcript NM_001378454.1 (MANE Select); coding-DNA position 9109, C replaced by T.
Protein change: p.Pro3037Ser; replaces proline 3037 with serine.
Molecular consequence: missense variant.
Genome position (GRCh38, 1-based): chr2:73,491,068, C>T. VCF-style: chr2-73491068-C-T. GRCh37 (hg19) VCF-style: chr2-73718195-C-T.
Other names: c.9112C>T, p.Pro3038Ser (NM_015120.4); short protein forms P3037S, P3038S.
Identifiers: ClinVar variation 1427561 (VCV001427561.8), dbSNP rs752792682, ClinGen allele CA1714605.